The following is an entry in ClinVar:

ClinVar aggregate classification (germline): Likely pathogenic (1 of 4 stars; one submission).

Conditions:
Retinitis pigmentosa 59 (RP59). Identifiers: Orphanet 791, MedGen C3151227, MONDO:0013468, OMIM 613861.

Submission:

Natera, Inc.
Classification: Likely pathogenic for Retinitis pigmentosa type 59. Last evaluated: 2025-03-31. Review status: criteria provided, single submitter. Criteria: Natera Variant Classification Schema (03/2026). Collection method: clinical testing. Allele origin: germline.
Comment: The c.124A>T variant in DHDDS is a nonsense variant predicted to introduce a stop codon at amino acid 42. This variant is expected to result in nonsense mediated decay, truncation, or a dysfunctional protein product. This variant is rare in the general population with a frequency below the threshold expected for the associated phenotype(s). Given the available evidence, this variant is classified as Likely Pathogenic.

NM_205861.3(DHDDS):c.124A>T (p.Lys42Ter)

Gene: DHDDS (dehydrodolichyl diphosphate synthase subunit; plus strand). Cytogenetic location: 1p36.11.
Variant type: single nucleotide variant.
Coding change: c.124A>T on transcript NM_205861.3 (MANE Select); coding-DNA position 124, A replaced by T.
Protein change: p.Lys42Ter; replaces lysine 42 with a stop codon.
Molecular consequence: nonsense. On other transcripts: 5 prime UTR variant (1).
Genome position (GRCh38, 1-based): chr1:26,438,228, A>T. VCF-style: chr1-26438228-A-T. GRCh37 (hg19) VCF-style: chr1-26764719-A-T.
Other names: c.124A>T, p.Lys42Ter (NM_001243564.2, NM_001243565.2, NM_024887.4); c.-179A>T (NM_001319959.2); short protein forms K42*.
Identifiers: ClinVar variation 4065900 (VCV004065900.2).